The following is an entry in ClinVar:

ClinVar aggregate classification (germline): Likely benign. Review status: criteria provided, multiple submitters, no conflicts (2 of 4 stars). 3 submissions from 3 submitters: Likely benign (3). Last evaluated 2026-06-29.

Conditions:
Inborn genetic diseases. Identifiers: MedGen C0950123, MeSH D030342.
ANKRD26-related disorder. Also called: ANKRD26-related condition.

Allele frequency attached by ClinVar (database versions not stated): gnomAD 0.00001; TOPMed 0.00002; gnomAD exomes 0.00009.
gnomAD v4.1: 131 of 1,613,124 alleles (0.0081%); highest among the groups gnomAD compares: Non-Finnish European, 0.011%; no homozygotes.

Submissions (3):

PreventionGenetics, part of Exact Sciences
Classification: Likely benign for ANKRD26-related condition. Last evaluated: 2026-06-29. Review status: criteria provided, single submitter. Criteria: ACMG Guidelines, 2015. Collection method: clinical testing. Allele origin: germline.
Comment: This variant is classified as likely benign based on ACMG/AMP sequence variant interpretation guidelines (Richards et al. 2015 PMID: 25741868, with internal and published modifications).

Labcorp Genetics (formerly Invitae), Labcorp
Classification: Likely benign. Last evaluated: 2025-09-07. Review status: criteria provided, single submitter. Criteria: Invitae Variant Classification Sherloc (09022015). Collection method: clinical testing. Allele origin: germline.

Ambry Genetics
Classification: Likely benign for Inborn genetic diseases. Last evaluated: 2024-11-25. Review status: criteria provided, single submitter. Criteria: Ambry Variant Classification Scheme 2023. Collection method: clinical testing. Allele origin: germline.

NM_014915.3(ANKRD26):c.3378T>C (p.Ile1126=)

Gene: ANKRD26 (ankyrin repeat domain 26; minus strand). Cytogenetic location: 10p12.1.
Variant type: single nucleotide variant.
Coding change: c.3378T>C on transcript NM_014915.3 (MANE Select); coding-DNA position 3378, T replaced by C.
Protein change: p.Ile1126=; no amino-acid change (isoleucine 1126 retained).
Molecular consequence: synonymous variant.
Genome position (GRCh38, 1-based): chr10:27,035,072, A>G on the plus strand (T>C on the coding strand, the complement: ANKRD26 is on the minus strand). VCF-style: chr10-27035072-A-G. GRCh37 (hg19) VCF-style: chr10-27324001-A-G.
Other names: c.3375T>C, p.Ile1125= (NM_001256053.2).
Identifiers: ClinVar variation 2889235 (VCV002889235.5), dbSNP rs758257855, ClinGen allele CA204449015.